The following is an entry in ClinVar:

NM_014141.6(CNTNAP2):c.1462C>T (p.Leu488Phe)

Gene: CNTNAP2 (contactin associated protein 2; plus strand). Cytogenetic location: 7q35.
Variant type: single nucleotide variant.
Coding change: c.1462C>T on transcript NM_014141.6 (MANE Select); coding-DNA position 1462, C replaced by T.
Protein change: p.Leu488Phe; replaces leucine 488 with phenylalanine.
Molecular consequence: missense variant.
Genome position (GRCh38, 1-based): chr7:147,300,254, C>T. VCF-style: chr7-147300254-C-T. GRCh37 (hg19) VCF-style: chr7-146997346-C-T.
Other names: short protein forms L488F.
Identifiers: ClinVar variation 2065437 (VCV002065437.2), dbSNP rs1169046670, ClinGen allele CA369925274.
Genomic context (GRCh38, chr7:147,300,254, plus strand): 5'-AATTTTGCTATTCTCACCATCGATGGAGATGAAGCATCAGCAGTTCGAACTAATAGTCCC[C>T]TTCAAGTTAAAACTGGCGAGAAGTACTTTTTTGGAGGTAAGAATGCCATTCCTTTTTGGT-3'
Protein context (NP_054860.1, residues 478-498): EASAVRTNSP[Leu488Phe]QVKTGEKYFF

ClinVar aggregate classification (germline): Uncertain significance (1 of 4 stars; one submission).

Conditions:
Cortical dysplasia-focal epilepsy syndrome (PTHSL1). Also called: Pitt-Hopkins-like syndrome 1. Identifiers: Orphanet 163681, Orphanet 221150, MedGen C2750246, MONDO:0012400, OMIM 610042.

Allele frequency attached by ClinVar (database versions not stated): TOPMed below 0.00001; gnomAD 0.00001.
gnomAD v4.1: 1 of 1,613,780 alleles (0.000062%); highest among the groups gnomAD compares: Non-Finnish European, 0.000085%; no homozygotes.

Submission:

Labcorp Genetics (formerly Invitae), Labcorp
Classification: Uncertain significance for Cortical dysplasia-focal epilepsy syndrome. Last evaluated: 2022-06-01. Review status: criteria provided, single submitter. Criteria: Invitae Variant Classification Sherloc (09022015). Collection method: clinical testing. Allele origin: germline.
Comment: This sequence change replaces leucine, which is neutral and non-polar, with phenylalanine, which is neutral and non-polar, at codon 488 of the CNTNAP2 protein (p.Leu488Phe). This variant is not present in population databases (gnomAD no frequency). In summary, the available evidence is currently insufficient to determine the role of this variant in disease. Therefore, it has been classified as a Variant of Uncertain Significance. Algorithms developed to predict the effect of missense changes on protein structure and function are either unavailable or do not agree on the potential impact of this missense change (SIFT: "Deleterious"; PolyPhen-2: "Benign"; Align-GVGD: "Class C0"). This variant has not been reported in the literature in individuals affected with CNTNAP2-related conditions.